The following is an entry in ClinVar:

NM_001037283.2(EIF3B):c.1873T>G (p.Leu625Val)

Gene: EIF3B (eukaryotic translation initiation factor 3 subunit B; plus strand). Cytogenetic location: 7p22.3.
Variant type: single nucleotide variant.
Coding change: c.1873T>G on transcript NM_001037283.2 (MANE Select); coding-DNA position 1873, T replaced by G.
Protein change: p.Leu625Val; replaces leucine 625 with valine.
Molecular consequence: missense variant.
Genome position (GRCh38, 1-based): chr7:2,374,590, T>G. VCF-style: chr7-2374590-T-G. GRCh37 (hg19) VCF-style: chr7-2414225-T-G.
Other names: c.1873T>G, p.Leu625Val (NM_001362791.2, NM_003751.4); c.1057T>G, p.Leu353Val (NM_001362792.2, NM_001362793.2); short protein forms L353V, L625V.
Identifiers: ClinVar variation 4529717 (VCV004529717.1).

ClinVar aggregate classification (germline): Uncertain significance (1 of 4 stars; one submission).

Submission:

GeneDx
Classification: Uncertain significance. Last evaluated: 2023-07-21. Review status: criteria provided, single submitter. Criteria: GeneDx Variant Classification Process June 2021. Collection method: clinical testing. Allele origin: germline. Affected: yes.
Comment: Not observed at significant frequency in large population cohorts (gnomAD); In silico analysis supports that this missense variant does not alter protein structure/function; Has not been previously published as pathogenic or benign to our knowledge; Variants in candidate genes are classified as variants of uncertain significance in accordance with ACMG guidelines (Richards et al., 2015)